The following is an entry in ClinVar:

ClinVar aggregate classification (germline): Likely pathogenic. Review status: criteria provided, multiple submitters, no conflicts (2 of 4 stars). 3 submissions from 3 submitters: Likely pathogenic (3). Last evaluated 2026-07-14.

Conditions:
Retinal disorder. Also called: Retinal disorders; Retinopathy; Retinopathies; Retinal Diseases. Identifiers: MedGen C0035309, MONDO:0005283, HP:0000488.
TRPM1-related disorder. Also called: TRPM1-related condition.

Allele frequency attached by ClinVar (database versions not stated): gnomAD exomes below 0.00001; TOPMed 0.00001.
gnomAD v4.1: 2 of 1,614,200 alleles (0.00012%); highest among the groups gnomAD compares: Non-Finnish European, 0.000085%; no homozygotes.

Submissions (3):

Genetics Laboratory, Great Ormond Street Hospital NHS Foundation Trust, North Thames Genomic Laboratory Hub
Classification: Likely pathogenic for Retinal disorders. Last evaluated: 2026-07-14. Review status: criteria provided, single submitter. Criteria: ACGS Best Practice Guidelines for Variant Classification in Rare Disease 2024 v1.2. Collection method: clinical testing. Allele origin: germline. Affected: yes.
Comment: PM2_moderate, PVS1_moderate, PM3_supporting, PP4_supporting

Labcorp Genetics (formerly Invitae), Labcorp
Classification: Likely pathogenic. Last evaluated: 2020-02-22. Review status: criteria provided, single submitter. Criteria: Invitae Variant Classification Sherloc (09022015). Collection method: clinical testing. Allele origin: germline.
Comment: This sequence change affects a donor splice site in intron 19 of the TRPM1 gene. It is expected to disrupt RNA splicing and likely results in an absent or disrupted protein product. This variant is not present in population databases (ExAC no frequency). This variant has not been reported in the literature in individuals with TRPM1-related conditions. Algorithms developed to predict the effect of sequence changes on RNA splicing suggest that this variant may disrupt the consensus splice site, but this prediction has not been confirmed by published transcriptional studies. Donor and acceptor splice site variants typically lead to a loss of protein function (PMID: 16199547), and loss-of-function variants in TRPM1 are known to be pathogenic (PMID: 19896113, 19966281, 20300565). In summary, the currently available evidence indicates that the variant is pathogenic, but additional data are needed to prove that conclusively. Therefore, this variant has been classified as Likely Pathogenic.

Blueprint Genetics
Classification: Likely pathogenic for TRPM1-related disorders. Last evaluated: 2019-03-01. Review status: criteria provided, single submitter. Criteria: ACMG Guidelines, 2015. Collection method: clinical testing. Allele origin: germline. Affected: yes. Observed: 1 variant allele.

Literature cited by the submitters: PubMed 16199547 (cited by Labcorp Genetics (formerly Invitae), Labcorp); PubMed 19896113 (cited by Labcorp Genetics (formerly Invitae), Labcorp); PubMed 19966281 (cited by Labcorp Genetics (formerly Invitae), Labcorp); PubMed 20300565 (cited by Labcorp Genetics (formerly Invitae), Labcorp).

NM_001252024.2(TRPM1):c.2571+1G>A

Gene: TRPM1 (transient receptor potential cation channel subfamily M member 1; minus strand). Cytogenetic location: 15q13.3.
Variant type: single nucleotide variant.
Coding change: c.2571+1G>A on transcript NM_001252024.2 (MANE Select); the canonical splice donor site of the intron after coding-DNA position 2571, G replaced by A.
Molecular consequence: splice donor variant.
Genome position (GRCh38, 1-based): chr15:31,037,710, C>T on the plus strand (G>A on the coding strand, the complement: TRPM1 is on the minus strand). VCF-style: chr15-31037710-C-T. GRCh37 (hg19) VCF-style: chr15-31329913-C-T.
Other names: c.2622+1G>A (NM_001252020.2); c.2505+1G>A (NM_002420.6).
Identifiers: ClinVar variation 844373 (VCV000844373.9), dbSNP rs2033455920, ClinGen allele CA391546917.
Genomic context (GRCh38, chr15:31,037,710, plus strand): 5'-TTCCAACATATCAAAGCATTCAAAATATACTGAATGTCAAATGTTCAGGAGGAGGCCTCA[C>T]TGTGTAAAACCAGAACTTGACAATGGGCGCGTTATAGAATTCACAGATCTTTGTTCCGAT-3'